The following is an entry in ClinVar:

NM_000088.4(COL1A1):c.3665A>C (p.Asn1222Thr)

Gene: COL1A1 (collagen type I alpha 1 chain; minus strand). Cytogenetic location: 17q21.33.
Variant type: single nucleotide variant.
Coding change: c.3665A>C on transcript NM_000088.4 (MANE Select); coding-DNA position 3665, A replaced by C.
Protein change: p.Asn1222Thr; replaces asparagine 1222 with threonine.
Molecular consequence: missense variant.
Genome position (GRCh38, 1-based): chr17:50,186,789, T>G on the plus strand (A>C on the coding strand, the complement: COL1A1 is on the minus strand). VCF-style: chr17-50186789-T-G. GRCh37 (hg19) VCF-style: chr17-48264150-T-G.
Other names: short protein forms N1222T.
Identifiers: ClinVar variation 4613917 (VCV004613917.2).

ClinVar aggregate classification (germline): Uncertain significance. Review status: criteria provided, multiple submitters, no conflicts (2 of 4 stars). 2 submissions from 2 submitters: Uncertain significance (2). Last evaluated 2025-10-07.

Conditions:
Osteogenesis imperfecta type I (OI1). Also called: Lobstein's Disease; Lobstein disease; Classic Non-deforming Osteogenesis Imperfecta with Blue Sclerae; OI, TYPE I; OSTEOGENESIS IMPERFECTA TARDA; OSTEOGENESIS IMPERFECTA WITH BLUE SCLERAE. Identifiers: Orphanet 216796, Orphanet 666, MedGen C0023931, MONDO:0008146, OMIM 166200. Disease mechanism: loss of function.
Cardiovascular phenotype. Identifiers: MedGen CN230736.

gnomAD v4.1: 21 of 1,614,104 alleles (0.0013%); highest among the groups gnomAD compares: Non-Finnish European, 0.0018%; no homozygotes.

Submissions (2):

Ambry Genetics
Classification: Uncertain significance for Cardiovascular phenotype. Last evaluated: 2025-10-07. Review status: criteria provided, single submitter. Criteria: Ambry Variant Classification Scheme 2023. Collection method: clinical testing. Allele origin: germline.
Comment: The p.N1222T variant (also known as c.3665A>C), located in coding exon 48 of the COL1A1 gene, results from an A to C substitution at nucleotide position 3665. The asparagine at codon 1222 is replaced by threonine, an amino acid with similar properties. This amino acid position is well conserved in available vertebrate species. In addition, the in silico prediction for this alteration is inconclusive. Based on the available evidence, the clinical significance of this variant remains unclear.

Labcorp Genetics (formerly Invitae), Labcorp
Classification: Uncertain significance for Osteogenesis imperfecta type I. Last evaluated: 2025-09-22. Review status: criteria provided, single submitter. Criteria: Invitae Variant Classification Sherloc (09022015). Collection method: clinical testing. Allele origin: germline.
Comment: This sequence change replaces asparagine, which is neutral and polar, with threonine, which is neutral and polar, at codon 1222 of the COL1A1 protein (p.Asn1222Thr). This variant is present in population databases (no rsID available, gnomAD 0.01%). This variant has not been reported in the literature in individuals affected with COL1A1-related conditions. Invitae Evidence Modeling of protein sequence and biophysical properties (such as structural, functional, and spatial information, amino acid conservation, physicochemical variation, residue mobility, and thermodynamic stability) indicates that this missense variant is not expected to disrupt COL1A1 protein function with a negative predictive value of 95%. In summary, the available evidence is currently insufficient to determine the role of this variant in disease. Therefore, it has been classified as a Variant of Uncertain Significance.